The following is an entry in ClinVar:

ClinVar aggregate classification (germline): Uncertain significance (1 of 4 stars; one submission).

Conditions:
Inborn genetic diseases. Identifiers: MedGen C0950123, MeSH D030342.

gnomAD v4.1: 2 of 1,614,188 alleles (0.00012%); highest among the groups gnomAD compares: Non-Finnish European, 0.000085%; no homozygotes.

Submission:

Ambry Genetics
Classification: Uncertain significance for Inborn genetic diseases. Last evaluated: 2025-02-07. Review status: criteria provided, single submitter. Criteria: Ambry Variant Classification Scheme 2023. Collection method: clinical testing. Allele origin: germline.
Comment: The p.R425K variant (also known as c.1274G>A), located in coding exon 8 of the MECOM gene, results from a G to A substitution at nucleotide position 1274. The arginine at codon 425 is replaced by lysine, an amino acid with highly similar properties. This amino acid position is conserved. In addition, the in silico prediction for this alteration is inconclusive. Based on the available evidence, the clinical significance of this variant remains unclear.

NM_004991.4(MECOM):c.1274G>A (p.Arg425Lys)

Gene: MECOM (MDS1 and EVI1 complex locus; minus strand). Cytogenetic location: 3q26.2.
Variant type: single nucleotide variant.
Coding change: c.1274G>A on transcript NM_004991.4 (MANE Select); coding-DNA position 1274, G replaced by A.
Protein change: p.Arg425Lys; replaces arginine 425 with lysine.
Molecular consequence: missense variant. On other transcripts: intron variant (2).
Genome position (GRCh38, 1-based): chr3:169,116,598, C>T on the plus strand (G>A on the coding strand, the complement: MECOM is on the minus strand). VCF-style: chr3-169116598-C-T. GRCh37 (hg19) VCF-style: chr3-168834386-C-T.
Other names: c.905G>A, p.Arg302Lys (NM_001105077.4); c.710G>A, p.Arg237Lys (NM_001105078.4, NM_001164000.2, NM_001205194.2 and 4 more transcripts); c.713G>A, p.Arg238Lys (NM_001163999.2, NM_001366467.2, NM_001366468.2 and 1 more transcripts); c.1274G>A, p.Arg425Lys (NM_001366466.2); c.1133-831G>A (NM_001366473.2); c.569-831G>A (NM_001366474.2); short protein forms R238K, R237K, R302K, R425K.
Identifiers: ClinVar variation 3871806 (VCV003871806.1).